The following is an entry in ClinVar:

ClinVar aggregate classification (germline): Uncertain significance (1 of 4 stars; one submission).

Conditions:
Ataxia-telangiectasia syndrome (AT). Also called: ATAXIA-TELANGIECTASIA, COMPLEMENTATION GROUP A; ATAXIA-TELANGIECTASIA, FRESNO VARIANT; LOUIS-BAR SYNDROME; Cerebello-oculocutaneous telangiectasia; Immunodeficiency with ataxia telangiectasia; Ataxia-telangiectasia, complementation group E. Identifiers: Orphanet 100, MedGen C0004135, MONDO:0008840, OMIM 208900.

Submission:

Labcorp Genetics (formerly Invitae), Labcorp
Classification: Uncertain significance for Ataxia-telangiectasia syndrome. Last evaluated: 2024-06-23. Review status: criteria provided, single submitter. Criteria: Invitae Variant Classification Sherloc (09022015). Collection method: clinical testing. Allele origin: germline.
Comment: This sequence change replaces methionine, which is neutral and non-polar, with threonine, which is neutral and polar, at codon 94 of the ATM protein (p.Met94Thr). This variant is not present in population databases (gnomAD no frequency). This variant has not been reported in the literature in individuals affected with ATM-related conditions. Advanced modeling of protein sequence and biophysical properties (such as structural, functional, and spatial information, amino acid conservation, physicochemical variation, residue mobility, and thermodynamic stability) performed at Invitae indicates that this missense variant is not expected to disrupt ATM protein function with a negative predictive value of 95%. In summary, the available evidence is currently insufficient to determine the role of this variant in disease. Therefore, it has been classified as a Variant of Uncertain Significance.

NM_000051.4(ATM):c.281T>C (p.Met94Thr)

Gene: ATM (ATM serine/threonine kinase; plus strand). Cytogenetic location: 11q22.3.
Variant type: single nucleotide variant.
Coding change: c.281T>C on transcript NM_000051.4 (MANE Select); coding-DNA position 281, T replaced by C.
Protein change: p.Met94Thr; replaces methionine 94 with threonine.
Molecular consequence: missense variant.
Genome position (GRCh38, 1-based): chr11:108,229,273, T>C. VCF-style: chr11-108229273-T-C. GRCh37 (hg19) VCF-style: chr11-108100000-T-C.
Other names: c.281T>C, p.Met94Thr (NM_001351834.2, NM_001351835.2, NM_001351836.2); short protein forms M94T.
Identifiers: ClinVar variation 3634290 (VCV003634290.2).
Genomic context (GRCh38, chr11:108,229,273, plus strand): 5'-GTCTGAGAATAGCAAAACCAAATGTATCAGCCTCAACACAAGCCTCCAGGCAGAAAAAGA[T>C]GCAGGAAATCAGTAGTTTGGTCAAATACTTCATCAAATGTGCAAACAGAAGTAAGTGATG-3'
Protein context (NP_000042.3, residues 84-104): ASTQASRQKK[Met94Thr]QEISSLVKYF